The following is an entry in ClinVar:

NM_022166.4(XYLT1):c.670G>A (p.Ala224Thr)

Gene: XYLT1 (xylosyltransferase 1; minus strand). Cytogenetic location: 16p12.3.
Variant type: single nucleotide variant.
Coding change: c.670G>A on transcript NM_022166.4 (MANE Select); coding-DNA position 670, G replaced by A.
Protein change: p.Ala224Thr; replaces alanine 224 with threonine.
Molecular consequence: missense variant.
Genome position (GRCh38, 1-based): chr16:17,259,231, C>T on the plus strand (G>A on the coding strand, the complement: XYLT1 is on the minus strand). VCF-style: chr16-17259231-C-T. GRCh37 (hg19) VCF-style: chr16-17353088-C-T.
Other names: short protein forms A224T.
Identifiers: ClinVar variation 1488691 (VCV001488691.5), dbSNP rs534156689, ClinGen allele CA7928137.

ClinVar aggregate classification (germline): Uncertain significance (1 of 4 stars; one submission).

Conditions:
Desbuquois dysplasia 1 (DBQD1). Also called: MICROMELIC DWARFISM WITH VERTEBRAL AND METAPHYSEAL ABNORMALITIES AND ADVANCED CARPOTARSAL OSSIFICATION; DESBUQUOIS DYSPLASIA 1, KIM VARIANT. Identifiers: Orphanet 1425, MedGen C4012146, MONDO:0009629, OMIM 251450.

Allele frequency attached by ClinVar (database versions not stated): ExAC 0.00002; gnomAD exomes 0.00002 and 0.00006; gnomAD 0.00003; TOPMed 0.00007; 1000 Genomes Project 30x 0.00016; 1000 Genomes Project 0.00020.
gnomAD v4.1: 43 of 1,614,028 alleles (0.0027%); highest among the groups gnomAD compares: Middle Eastern, 0.033%; no homozygotes.

Submission:

Labcorp Genetics (formerly Invitae), Labcorp
Classification: Uncertain significance for Desbuquois dysplasia 1. Last evaluated: 2022-08-22. Review status: criteria provided, single submitter. Criteria: Invitae Variant Classification Sherloc (09022015). Collection method: clinical testing. Allele origin: germline.
Comment: This sequence change replaces alanine, which is neutral and non-polar, with threonine, which is neutral and polar, at codon 224 of the XYLT1 protein (p.Ala224Thr). This variant is present in population databases (rs534156689, gnomAD 0.03%). This variant has not been reported in the literature in individuals affected with XYLT1-related conditions. ClinVar contains an entry for this variant (Variation ID: 1488691). Algorithms developed to predict the effect of missense changes on protein structure and function output the following: SIFT: "Tolerated"; PolyPhen-2: "Benign"; Align-GVGD: "Class C0". The threonine amino acid residue is found in multiple mammalian species, which suggests that this missense change does not adversely affect protein function. In summary, the available evidence is currently insufficient to determine the role of this variant in disease. Therefore, it has been classified as a Variant of Uncertain Significance.